The following is an entry in ClinVar:

NM_001253697.2(ERBIN):c.821C>T (p.Ser274Leu)

Gene: ERBIN (erbb2 interacting protein; plus strand). Cytogenetic location: 5q12.3.
Variant type: single nucleotide variant.
Coding change: c.821C>T on transcript NM_001253697.2 (MANE Select); coding-DNA position 821, C replaced by T.
Protein change: p.Ser274Leu; replaces serine 274 with leucine.
Molecular consequence: missense variant.
Genome position (GRCh38, 1-based): chr5:66,025,483, C>T. VCF-style: chr5-66025483-C-T. GRCh37 (hg19) VCF-style: chr5-65321311-C-T.
Other names: p.Ser274Leu; c.821C>T, p.Ser274Leu (NM_001006600.3, NM_001253698.2, NM_001253699.2 and 2 more transcripts); short protein forms S274L.
Identifiers: ClinVar variation 1165181 (VCV001165181.13), dbSNP rs3213837, ClinGen allele CA3286059.

ClinVar aggregate classification (germline): Benign. Review status: criteria provided, multiple submitters, no conflicts (2 of 4 stars). 4 submissions from 4 submitters: Benign (4). Last evaluated 2026-02-04.

Allele frequency attached by ClinVar (database versions not stated): 1000 Genomes Project 30x 0.11790; gnomAD 0.11558 and 0.11926; gnomAD exomes 0.15462 and 0.15277; ESP Exome Variant Server 0.11520; TOPMed 0.11349; 1000 Genomes Project 0.12101; ExAC 0.15457.
gnomAD v4.1: 241,899 of 1,602,994 alleles (15%); highest among the groups gnomAD compares: South Asian, 24%; 19,931 homozygotes.

Submissions (4):

Labcorp Genetics (formerly Invitae), Labcorp
Classification: Benign. Last evaluated: 2026-02-04. Review status: criteria provided, single submitter. Criteria: Invitae Variant Classification Sherloc (09022015). Collection method: clinical testing. Allele origin: germline.

Unidad de Genómica Garrahan, Hospital de Pediatría Garrahan
Classification: Benign. Last evaluated: 2024-01-24. Review status: criteria provided, single submitter. Criteria: ACMG Guidelines, 2015. Collection method: clinical testing. Allele origin: germline. Affected: no. Observed: 27 variant alleles.
Comment: This variant is classified as Benign based on local population frequency. This variant was detected in 31% of patients studied by a panel of primary immunodeficiencies. Number of patients: 27. Only high quality variants are reported.

Mayo Clinic Laboratories, Mayo Clinic
Classification: Benign. Last evaluated: 2022-09-06. Review status: criteria provided, single submitter. Criteria: ACMG Guidelines, 2015. Collection method: clinical testing. Allele origin: germline. Observed: 29 variant alleles.

Breakthrough Genomics
Classification: Benign. Review status: criteria provided, single submitter. Criteria: ACMG Guidelines, 2015. Collection method: not provided. Allele origin: germline. Inheritance: Unknown mechanism. Affected: yes.